The following is an entry in ClinVar:

ClinVar aggregate classification (germline): Uncertain significance (1 of 4 stars; one submission).

Allele frequency attached by ClinVar (database versions not stated): gnomAD exomes 0.00001; ExAC 0.00002; gnomAD 0.00003.
gnomAD v4.1: 19 of 1,610,598 alleles (0.0012%); highest among the groups gnomAD compares: African/African-American, 0.004%; no homozygotes.

Submission:

Labcorp Genetics (formerly Invitae), Labcorp
Classification: Uncertain significance. Last evaluated: 2023-05-22. Review status: criteria provided, single submitter. Criteria: Invitae Variant Classification Sherloc (09022015). Collection method: clinical testing. Allele origin: germline.
Comment: In summary, the available evidence is currently insufficient to determine the role of this variant in disease. Therefore, it has been classified as a Variant of Uncertain Significance. An algorithm developed to predict the effect of missense changes on protein structure and function (PolyPhen-2) suggests that this variant is likely to be disruptive. ClinVar contains an entry for this variant (Variation ID: 1909049). This variant has not been reported in the literature in individuals affected with LRRK1-related conditions. This variant is present in population databases (rs778089814, gnomAD 0.006%). This sequence change replaces arginine, which is basic and polar, with glutamine, which is neutral and polar, at codon 380 of the LRRK1 protein (p.Arg380Gln).

NM_024652.6(LRRK1):c.1139G>A (p.Arg380Gln)

Gene: LRRK1 (leucine rich repeat kinase 1; plus strand). Cytogenetic location: 15q26.3.
Variant type: single nucleotide variant.
Coding change: c.1139G>A on transcript NM_024652.6 (MANE Select); coding-DNA position 1139, G replaced by A.
Protein change: p.Arg380Gln; replaces arginine 380 with glutamine.
Molecular consequence: missense variant.
Genome position (GRCh38, 1-based): chr15:101,010,695, G>A. VCF-style: chr15-101010695-G-A. GRCh37 (hg19) VCF-style: chr15-101550900-G-A.
Other names: short protein forms R380Q.
Identifiers: ClinVar variation 1909049 (VCV001909049.3), dbSNP rs778089814, ClinGen allele CA7760811.